The following is an entry in ClinVar:

NM_004327.4(BCR):c.1158G>A (p.Pro386=)

Gene: BCR (BCR activator of RhoGEF and GTPase; plus strand). Cytogenetic location: 22q11.23.
Variant type: single nucleotide variant.
Coding change: c.1158G>A on transcript NM_004327.4 (MANE Select); coding-DNA position 1158, G replaced by A.
Protein change: p.Pro386=; no amino-acid change (proline 386 retained).
Molecular consequence: synonymous variant.
Genome position (GRCh38, 1-based): chr22:23,182,118, G>A. VCF-style: chr22-23182118-G-A. GRCh37 (hg19) VCF-style: chr22-23524305-G-A.
Other names: c.1158G>A, p.Pro386= (NM_021574.3).
Identifiers: ClinVar variation 3388252 (VCV003388252.14).
Genomic context (GRCh38, chr22:23,182,118, plus strand): 5'-AAGCCGCTCTCCCTCGCAGAACTCGCAACAGTCCTTCGACAGCAGCAGTCCCCCCACGCC[G>A]CAGTGCCATAAGCGGCACCGGCACTGCCCGGTTGTCGTGTCCGAGGCCACCATCGTGGGC-3'
Protein context (NP_004318.3, residues 376-396): QSFDSSSPPT[Pro386=]QCHKRHRHCP

ClinVar aggregate classification (germline): Likely benign (1 of 4 stars; one submission).

gnomAD v4.1: 2 of 1,611,952 alleles (0.00012%); no homozygotes.

Submission:

CeGaT Center for Human Genetics Tuebingen
Classification: Likely benign. Last evaluated: 2024-09-01. Review status: criteria provided, single submitter. Criteria: CeGaT Center For Human Genetics Tuebingen Variant Classification Criteria Version 2. Collection method: clinical testing. Allele origin: germline. Affected: yes. Observed: 1 variant allele.
Comment: BCR: BP4, BP7